The following is an entry in ClinVar:

ClinVar aggregate classification (germline): Pathogenic (1 of 4 stars; one submission).

Conditions:
Hereditary nonpolyposis colorectal neoplasms. Identifiers: MedGen C0009405, MeSH D003123.

Submission:

Labcorp Genetics (formerly Invitae), Labcorp
Classification: Pathogenic for Hereditary nonpolyposis colorectal neoplasms. Last evaluated: 2017-11-07. Review status: criteria provided, single submitter. Criteria: Invitae Variant Classification Sherloc (09022015). Collection method: clinical testing. Allele origin: germline.
Comment: For these reasons, this variant has been classified as Pathogenic. Loss-of-function variants in PMS2 are known to be pathogenic (PMID: 21376568, 24362816). This variant has not been reported in the literature in individuals with PMS2-related disease. This variant is not present in population databases (ExAC no frequency). This sequence change creates a premature translational stop signal (p.Glu422*) in the PMS2 gene. It is expected to result in an absent or disrupted protein product.

Literature cited by the submitters: PubMed 21376568; PubMed 24362816.

NM_000535.7(PMS2):c.1264G>T (p.Glu422Ter)

Gene: PMS2 (PMS1 homolog 2, mismatch repair system component; minus strand). Cytogenetic location: 7p22.1.
Variant type: single nucleotide variant.
Coding change: c.1264G>T on transcript NM_000535.7 (MANE Select); coding-DNA position 1264, G replaced by T.
Protein change: p.Glu422Ter; replaces glutamic acid 422 with a stop codon.
Molecular consequence: nonsense. On other transcripts: non-coding transcript variant (1).
Genome position (GRCh38, 1-based): chr7:5,987,501, C>A on the plus strand (G>T on the coding strand, the complement: PMS2 is on the minus strand). VCF-style: chr7-5987501-C-A. GRCh37 (hg19) VCF-style: chr7-6027132-C-A.
Other names: c.859G>T, p.Glu287Ter (NM_001322003.2, NM_001322004.2, NM_001322005.2 and 1 more transcripts); c.1108G>T, p.Glu370Ter (NM_001322006.2); c.946G>T, p.Glu316Ter (NM_001322007.2, NM_001322008.2); c.703G>T, p.Glu235Ter (NM_001322010.2); c.331G>T, p.Glu111Ter (NM_001322011.2, NM_001322012.2); c.691G>T, p.Glu231Ter (NM_001322013.2); c.1264G>T, p.Glu422Ter (NM_001322014.2); c.955G>T, p.Glu319Ter (NM_001322015.2); short protein forms E422*, E231*, E316*, E370*, E111*, E235*, E319*, E287*.
Identifiers: ClinVar variation 525843 (VCV000525843.6), dbSNP rs587782175, ClinGen allele CA366742456.